The following is an entry in ClinVar:

NM_015512.5(DNAH1):c.5206_5207del (p.Thr1736fs)

Gene: DNAH1 (dynein axonemal heavy chain 1; plus strand). Cytogenetic location: 3p21.1.
Variant type: Deletion.
Coding change: c.5206_5207del on transcript NM_015512.5 (MANE Select); coding-DNA positions 5206 to 5207, 2 bases deleted (AC; older notation c.5206_5207delAC).
Protein change: p.Thr1736fs; shifts the reading frame from threonine 1736.
Molecular consequence: frameshift variant.
Genome position (GRCh38, 1-based): chr3:52,363,106-52,363,107, AC deleted. VCF-style (leftmost placement, unchanged base first): chr3-52363105-AAC-A. GRCh37 (hg19) VCF-style: chr3-52397121-AAC-A.
Other names: short protein forms T1736fs.
Identifiers: ClinVar variation 2170067 (VCV002170067.4), dbSNP rs778973398, ClinGen allele CA2434124.

ClinVar aggregate classification (germline): Pathogenic (1 of 4 stars; one submission).

Conditions:
Spermatogenic failure 18. Identifiers: MedGen C4539783, MONDO:0054615, OMIM 617576.
Ciliary dyskinesia, primary, 37 (CILD37). Also called: CILIARY DYSKINESIA, PRIMARY, 37, WITH OR WITHOUT SITUS INVERSUS. Identifiers: MedGen C4539798, MONDO:0033204, OMIM 617577.

Allele frequency attached by ClinVar (database versions not stated): ExAC 0.00001; gnomAD exomes below 0.00001.

Submission:

Labcorp Genetics (formerly Invitae), Labcorp
Classification: Pathogenic for Ciliary dyskinesia, primary, 37; Spermatogenic failure 18. Last evaluated: 2025-08-11. Review status: criteria provided, single submitter. Criteria: Invitae Variant Classification Sherloc (09022015). Collection method: clinical testing. Allele origin: germline.
Comment: This sequence change creates a premature translational stop signal (p.Thr1736Hisfs*7) in the DNAH1 gene. It is expected to result in an absent or disrupted protein product. Loss-of-function variants in DNAH1 are known to be pathogenic (PMID: 27573432, 27798045). This variant is present in population databases (rs778973398, gnomAD 0.003%). This variant has not been reported in the literature in individuals affected with DNAH1-related conditions. ClinVar contains an entry for this variant (Variation ID: 2170067). Algorithms developed to predict the effect of sequence changes on RNA splicing suggest that this variant may disrupt the consensus splice site. For these reasons, this variant has been classified as Pathogenic.

Literature cited by the submitters: PubMed 27573432; PubMed 27798045.